The following is an entry in ClinVar:

NM_031407.7(HUWE1):c.1832T>C (p.Leu611Pro)

Gene: HUWE1 (HECT, UBA and WWE domain containing E3 ubiquitin protein ligase 1; minus strand). Cytogenetic location: Xp11.22.
Variant type: single nucleotide variant.
Coding change: c.1832T>C on transcript NM_031407.7 (MANE Select); coding-DNA position 1832, T replaced by C.
Protein change: p.Leu611Pro; replaces leucine 611 with proline.
Molecular consequence: missense variant.
Genome position (GRCh38, 1-based): chrX:53,617,095, A>G on the plus strand (T>C on the coding strand, the complement: HUWE1 is on the minus strand). VCF-style: chrX-53617095-A-G. GRCh37 (hg19) VCF-style: chrX-53644056-A-G.
Other names: c.1832T>C, p.Leu611Pro (NM_001441048.1, NM_001441049.1, NM_001441051.1 and 6 more transcripts); c.1853T>C, p.Leu618Pro (NM_001441050.1, NM_001441055.1); short protein forms L611P, L618P.
Identifiers: ClinVar variation 4540374 (VCV004540374.2).

ClinVar aggregate classification (germline): Likely pathogenic (1 of 4 stars; one submission).

Submission:

GeneDx
Classification: Likely pathogenic. Last evaluated: 2026-01-26. Review status: criteria provided, single submitter. Criteria: GeneDx Variant Classification Process June 2021. Collection method: clinical testing. Allele origin: germline.
Comment: Not observed at significant frequency in large population cohorts (gnomAD); In silico analysis supports that this missense variant has a deleterious effect on protein structure/function; Has not been previously published as pathogenic or benign to our knowledge